The following is an entry in ClinVar:

ClinVar aggregate classification (germline): Conflicting classifications of pathogenicity. Review status: criteria provided, conflicting classifications (1 of 4 stars). 4 submissions from 4 submitters: Likely pathogenic (1); Uncertain significance (3). Last evaluated 2026-03-10.

Allele frequency attached by ClinVar (database versions not stated): ExAC 0.00011; ESP Exome Variant Server 0.00015; TOPMed 0.00020; gnomAD 0.00021.
gnomAD v4.1: 410 of 1,614,024 alleles (0.025%); highest among the groups gnomAD compares: Non-Finnish European, 0.032%; no homozygotes.

Submissions (4):

Women's Health and Genetics/Laboratory Corporation of America, LabCorp
Classification: Uncertain significance. Last evaluated: 2026-03-10. Review status: criteria provided, single submitter. Criteria: LabCorp Variant Classification Summary - May 2015. Collection method: clinical testing. Allele origin: germline.
Comment: Variant summary: PKD1L1 c.2620C>T (p.Arg874Trp) results in a non-conservative amino acid change in the encoded protein sequence. Algorithms developed to predict the effect of missense changes on protein structure and function are either unavailable or do not agree on the potential impact of this missense change. The variant allele was found at a frequency of 0.00016 in 251300 control chromosomes. This frequency is not significantly higher than estimated for disease-causing variants in PKD1L1, allowing no conclusion about variant significance. c.2620C>T has been observed in at least one compound heterozygous individual affected with biliary atresia splenic malformation syndrome (e.g. Berauer_2019). These report(s) do not provide unequivocal conclusions about association of the variant with Heterotaxy, Visceral, 8, Autosomal. To our knowledge, no experimental evidence demonstrating an impact on protein function has been reported. The following publication has been ascertained in the context of this evaluation (PMID: 30664273). ClinVar contains an entry for this variant (Variation ID: 2068270). Based on the evidence outlined above, the variant was classified as uncertain significance.

Blueprint Genetics
Classification: Uncertain significance. Last evaluated: 2024-06-10. Review status: criteria provided, single submitter. Criteria: ACMG Guidelines, 2015. Collection method: clinical testing. Allele origin: germline.

GeneDx
Classification: Likely pathogenic. Last evaluated: 2023-12-18. Review status: criteria provided, single submitter. Criteria: GeneDx Variant Classification Process June 2021. Collection method: clinical testing. Allele origin: germline. Affected: yes.
Comment: In silico analysis supports that this missense variant has a deleterious effect on protein structure/function; This variant is associated with the following publications: (PMID: 30664273, 33655537)

Labcorp Genetics (formerly Invitae), Labcorp
Classification: Uncertain significance. Last evaluated: 2022-07-06. Review status: criteria provided, single submitter. Criteria: Invitae Variant Classification Sherloc (09022015). Collection method: clinical testing. Allele origin: germline.
Comment: This sequence change replaces arginine, which is basic and polar, with tryptophan, which is neutral and slightly polar, at codon 874 of the PKD1L1 protein (p.Arg874Trp). This variant is present in population databases (rs139858574, gnomAD 0.03%). This missense change has been observed in individual(s) with PKD1L1-related conditions (PMID: 30664273). In at least one individual the data is consistent with being in trans (on the opposite chromosome) from a pathogenic variant. Algorithms developed to predict the effect of missense changes on protein structure and function are either unavailable or do not agree on the potential impact of this missense change (SIFT: "Deleterious"; PolyPhen-2: "Probably Damaging"; Align-GVGD: "Class C0"). In summary, the available evidence is currently insufficient to determine the role of this variant in disease. Therefore, it has been classified as a Variant of Uncertain Significance.

Literature cited by the submitters: PubMed 30664273 (cited by Women's Health and Genetics/Laboratory Corporation of America, LabCorp and Labcorp Genetics (formerly Invitae), Labcorp).

NM_138295.5(PKD1L1):c.2620C>T (p.Arg874Trp)

Gene: PKD1L1 (polycystin 1 like 1, transient receptor potential channel interacting; minus strand). Cytogenetic location: 7p12.3.
Variant type: single nucleotide variant.
Coding change: c.2620C>T on transcript NM_138295.5 (MANE Select); coding-DNA position 2620, C replaced by T.
Protein change: p.Arg874Trp; replaces arginine 874 with tryptophan.
Molecular consequence: missense variant.
Genome position (GRCh38, 1-based): chr7:47,890,597, G>A on the plus strand (C>T on the coding strand, the complement: PKD1L1 is on the minus strand). VCF-style: chr7-47890597-G-A. GRCh37 (hg19) VCF-style: chr7-47930195-G-A.
Other names: c.2620C>T (NM_138295.3); short protein forms R874W.
Identifiers: ClinVar variation 2068270 (VCV002068270.8), dbSNP rs139858574, ClinGen allele CA4253681.
Genomic context (GRCh38, chr7:47,890,597, plus strand): 5'-GGTACCTGAACGCCGAGTCAGGGTAGGGGGACAGGAACACCCGGGTCTCAGAAGAGTTCC[G>A]GCCACCACTGGAGACCCTCAGCATCACAAGGAACTGATCATAGCTGTCACTGAGCCATTG-3'
Protein context (NP_612152.1, residues 864-884): LVMLRVSSGG[Arg874Trp]NSSETRVFLS